The following is an entry in ClinVar:

ClinVar aggregate classification (germline): Uncertain significance (1 of 4 stars; one submission).

Conditions:
Congenital contractural arachnodactyly (CCA). Also called: BEALS SYNDROME; Beals-Hecht syndrome; Arthrogryposis, distal, type 9. Identifiers: Orphanet 115, MedGen C0220668, MONDO:0007363, OMIM 121050.

Submission:

Labcorp Genetics (formerly Invitae), Labcorp
Classification: Uncertain significance for Congenital contractural arachnodactyly. Last evaluated: 2019-03-23. Review status: criteria provided, single submitter. Criteria: Invitae Variant Classification Sherloc (09022015). Collection method: clinical testing. Allele origin: germline.
Comment: This variant is not present in population databases (ExAC no frequency). In summary, the available evidence is currently insufficient to determine the role of this variant in disease. Therefore, it has been classified as a Variant of Uncertain Significance. The current clinical and genetic evidence is not sufficient to establish whether loss-of-function variants in FBN2 cause disease. This variant has not been reported in the literature in individuals with FBN2-related conditions. This sequence change creates a premature translational stop signal (p.Gln2540*) in the FBN2 gene. It is expected to result in an absent or disrupted protein product.

NM_001999.4(FBN2):c.7618C>T (p.Gln2540Ter)

Gene: FBN2 (fibrillin 2; minus strand). Cytogenetic location: 5q23.3.
Variant type: single nucleotide variant.
Coding change: c.7618C>T on transcript NM_001999.4 (MANE Select); coding-DNA position 7618, C replaced by T.
Protein change: p.Gln2540Ter; replaces glutamine 2540 with a stop codon.
Molecular consequence: nonsense.
Genome position (GRCh38, 1-based): chr5:128,274,660, G>A on the plus strand (C>T on the coding strand, the complement: FBN2 is on the minus strand). VCF-style: chr5-128274660-G-A. GRCh37 (hg19) VCF-style: chr5-127610352-G-A.
Other names: short protein forms Q2540*.
Identifiers: ClinVar variation 850263 (VCV000850263.8), dbSNP rs1453328210, ClinGen allele CA360753472.